The following is an entry in ClinVar:

ClinVar aggregate classification (germline): Likely benign (1 of 4 stars; one submission).

Allele frequency attached by ClinVar (database versions not stated): gnomAD 0.00003; ExAC 0.00004; gnomAD exomes 0.00004; TOPMed 0.00005.
gnomAD v4.1: 64 of 1,610,748 alleles (0.004%); highest among the groups gnomAD compares: Admixed American, 0.012%; no homozygotes.

Submission:

CeGaT Center for Human Genetics Tuebingen
Classification: Likely benign. Last evaluated: 2022-09-01. Review status: criteria provided, single submitter. Criteria: CeGaT Center For Human Genetics Tuebingen Variant Classification Criteria Version 2. Collection method: clinical testing. Allele origin: germline. Affected: yes. Observed: 1 variant allele.
Comment: HDAC4: BP4, BS2

NM_001378414.1(HDAC4):c.1664C>T (p.Ala555Val)

Gene: HDAC4 (histone deacetylase 4; minus strand). Cytogenetic location: 2q37.3.
Variant type: single nucleotide variant.
Coding change: c.1664C>T on transcript NM_001378414.1 (MANE Select); coding-DNA position 1664, C replaced by T.
Protein change: p.Ala555Val; replaces alanine 555 with valine.
Molecular consequence: missense variant.
Genome position (GRCh38, 1-based): chr2:239,115,180, G>A on the plus strand (C>T on the coding strand, the complement: HDAC4 is on the minus strand). VCF-style: chr2-239115180-G-A. GRCh37 (hg19) VCF-style: chr2-240036876-G-A.
Other names: c.1664C>T, p.Ala555Val (NM_001378415.1); c.1649C>T, p.Ala550Val (NM_001378416.1, NM_001378417.1, NM_006037.4); short protein forms A550V, A555V.
Identifiers: ClinVar variation 2652074 (VCV002652074.24), dbSNP rs777061482, ClinGen allele CA2199731.
Genomic context (GRCh38, chr2:239,115,180, plus strand): 5'-GCCTCTTCCTCATCGCTCTCAATGGGCTCCTGCTTCACCTGCACGCCGGCCTGTGCGTGC[G>A]CCTCCTTCTGCCCCGGCAGCCGGTCCAGGTAGGGCTCGTCCAGCAGAGCCTGGTGCTCAC-3'
Protein context (NP_001365343.1, residues 545-565): YLDRLPGQKE[Ala555Val]HAQAGVQVKQ